The following is an entry in ClinVar:

ClinVar aggregate classification (germline): Conflicting classifications of pathogenicity. Review status: criteria provided, conflicting classifications (1 of 4 stars). 8 submissions from 8 submitters: Uncertain significance (1); Benign (1); Likely benign (5). 1 of the submissions does not count toward it. Last evaluated 2026-01-27.

Conditions:
Colorectal cancer, susceptibility to, 12 (CRCS12). Also called: COLORECTAL CANCER, SUSCEPTIBILITY TO, ON CHROMOSOME 12q24. Identifiers: Orphanet 220460, MedGen C3554460, MONDO:0014038, OMIM 615083.

Allele frequency attached by ClinVar (database versions not stated): gnomAD exomes 0.00013 and 0.00026; ExAC 0.00018; TOPMed 0.00020; gnomAD 0.00021 and 0.00023; ESP Exome Variant Server 0.00023.
gnomAD v4.1: 407 of 1,612,402 alleles (0.025%); highest among the groups gnomAD compares: Non-Finnish European, 0.032%; no homozygotes.

Submissions (8):

Labcorp Genetics (formerly Invitae), Labcorp
Classification: Likely benign. Last evaluated: 2026-01-27. Review status: criteria provided, single submitter. Criteria: Invitae Variant Classification Sherloc (09022015). Collection method: clinical testing. Allele origin: germline.

Center for Genomic Medicine, Rigshospitalet, Copenhagen University Hospital
Classification: Likely benign. Last evaluated: 2025-03-04. Review status: criteria provided, single submitter. Criteria: ACMG Guidelines, 2015. Collection method: clinical testing. Allele origin: germline.

KCCC/NGS Laboratory, Kuwait Cancer Control Center
Classification: Benign for Colorectal cancer, susceptibility to, 12. Last evaluated: 2025-02-01. Review status: criteria provided, single submitter. Criteria: ACMG Guidelines, 2015. Collection method: clinical testing. Allele origin: germline. Affected: no.

Blueprint Genetics
Classification: Likely benign. Last evaluated: 2024-09-12. Review status: criteria provided, single submitter. Criteria: ACMG Guidelines, 2015. Collection method: clinical testing. Allele origin: germline.

Institute for Clinical Genetics, University Hospital TU Dresden, University Hospital TU Dresden
Classification: Uncertain significance. Last evaluated: 2021-11-03. Review status: criteria provided, single submitter. Criteria: ACMG Guidelines, 2015. Collection method: clinical testing. Allele origin: germline.

GeneDx
Classification: Likely benign. Last evaluated: 2017-09-22. Review status: criteria provided, single submitter. Criteria: GeneDx Variant Classification (06012015). Collection method: clinical testing. Allele origin: germline. Affected: yes.
Comment: This variant is considered likely benign or benign based on one or more of the following criteria: it is a conservative change, it occurs at a poorly conserved position in the protein, it is predicted to be benign by multiple in silico algorithms, and/or has population frequency not consistent with disease.

PreventionGenetics, part of Exact Sciences
Classification: Likely benign. Last evaluated: 2017-01-30. Review status: criteria provided, single submitter. Criteria: ACMG Guidelines, 2015. Collection method: clinical testing. Allele origin: germline.

Counsyl
Classification: Likely benign for Colorectal cancer, susceptibility to, 12. Last evaluated: 2016-10-12. Review status: no assertion criteria provided. Collection method: clinical testing. Allele origin: unknown. Not counted in ClinVar's aggregate classification.

NM_006231.4(POLE):c.5379-19C>T

Gene: POLE (DNA polymerase epsilon, catalytic subunit; minus strand). Cytogenetic location: 12q24.33.
Variant type: single nucleotide variant.
Coding change: c.5379-19C>T on transcript NM_006231.4 (MANE Select); 19 bases into the intron before coding-DNA position 5379, C replaced by T.
Molecular consequence: intron variant.
Genome position (GRCh38, 1-based): chr12:132,639,317, G>A on the plus strand (C>T on the coding strand, the complement: POLE is on the minus strand). VCF-style: chr12-132639317-G-A. GRCh37 (hg19) VCF-style: chr12-133215903-G-A.
Identifiers: ClinVar variation 372013 (VCV000372013.27), dbSNP rs376722984, ClinGen allele CA6892536.